The following is an entry in ClinVar:

ClinVar aggregate classification (germline): Uncertain significance. Review status: criteria provided, multiple submitters, no conflicts (2 of 4 stars). 2 submissions from 2 submitters: Uncertain significance (2). Last evaluated 2025-05-29.

Conditions:
Neurofibromatosis, type 1 (NF1). Also called: VON RECKLINGHAUSEN DISEASE; NEUROFIBROMATOSIS, TYPE I, SOMATIC; Peripheral type neurofibromatosis; Neurofibromatosis, type I. Identifiers: Orphanet 636, MedGen C0027831, MONDO:0018975, OMIM 162200. Disease mechanism: loss of function.
Hereditary cancer-predisposing syndrome. Also called: Tumor predisposition; Neoplastic Syndromes, Hereditary; Hereditary Cancer Syndrome; Hereditary neoplastic syndrome. Identifiers: Orphanet 140162, MedGen C0027672, MeSH D009386, MONDO:0015356.
Cardiovascular phenotype. Identifiers: MedGen CN230736.

Submissions (2):

Ambry Genetics
Classification: Uncertain significance for Cardiovascular phenotype; Hereditary cancer-predisposing syndrome. Last evaluated: 2025-05-29. Review status: criteria provided, single submitter. Criteria: Ambry Variant Classification Scheme 2023. Collection method: clinical testing. Allele origin: germline.
Comment: The p.Y489S variant (also known as c.1466A>C), located in coding exon 13 of the NF1 gene, results from an A to C substitution at nucleotide position 1466. The tyrosine at codon 489 is replaced by serine, an amino acid with dissimilar properties. This alteration has been detected in patients with confirmed or suspected clinical diagnoses of neurofibromatosis type 1 (Kang E et al. J Hum Genet, 2020 Jan;65:79-89; Wimmer K et al. Genes Chromosomes Cancer, 2006 Mar;45:265-76). This amino acid position is highly conserved in available vertebrate species. In addition, the in silico prediction for this alteration is inconclusive. Based on the available evidence, the clinical significance of this variant remains unclear.

Labcorp Genetics (formerly Invitae), Labcorp
Classification: Uncertain significance for Neurofibromatosis, type 1. Last evaluated: 2025-05-21. Review status: criteria provided, single submitter. Criteria: Invitae Variant Classification Sherloc (09022015). Collection method: clinical testing. Allele origin: germline.
Comment: This sequence change replaces tyrosine, which is neutral and polar, with serine, which is neutral and polar, at codon 489 of the NF1 protein (p.Tyr489Ser). This variant is not present in population databases (gnomAD no frequency). This variant has not been reported in the literature in individuals affected with NF1-related conditions. ClinVar contains an entry for this variant (Variation ID: 1773255). Invitae Evidence Modeling of protein sequence and biophysical properties (such as structural, functional, and spatial information, amino acid conservation, physicochemical variation, residue mobility, and thermodynamic stability) indicates that this missense variant is not expected to disrupt NF1 protein function with a negative predictive value of 95%. In summary, the available evidence is currently insufficient to determine the role of this variant in disease. Therefore, it has been classified as a Variant of Uncertain Significance.

Literature cited by the submitters: PubMed 16283621 (cited by Ambry Genetics); PubMed 31776437 (cited by Ambry Genetics).

NM_001042492.3(NF1):c.1466A>C (p.Tyr489Ser)

Gene: NF1 (neurofibromin 1; plus strand). Cytogenetic location: 17q11.2.
Variant type: single nucleotide variant.
Coding change: c.1466A>C on transcript NM_001042492.3 (MANE Select); coding-DNA position 1466, A replaced by C.
Protein change: p.Tyr489Ser; replaces tyrosine 489 with serine.
Molecular consequence: missense variant.
Genome position (GRCh38, 1-based): chr17:31,214,524, A>C. VCF-style: chr17-31214524-A-C. GRCh37 (hg19) VCF-style: chr17-29541542-A-C.
Other names: c.1466A>C, p.Tyr489Ser (NM_000267.4, NM_001128147.3); short protein forms Y489S.
Identifiers: ClinVar variation 1773255 (VCV001773255.8), dbSNP rs137854557, ClinGen allele CA399001573.